The following is an entry in ClinVar:

NM_182961.4(SYNE1):c.2447C>T (p.Pro816Leu)

Gene: SYNE1 (spectrin repeat containing nuclear envelope protein 1; minus strand). Cytogenetic location: 6q25.2.
Variant type: single nucleotide variant.
Coding change: c.2447C>T on transcript NM_182961.4 (MANE Select); coding-DNA position 2447, C replaced by T.
Protein change: p.Pro816Leu; replaces proline 816 with leucine.
Molecular consequence: missense variant.
Genome position (GRCh38, 1-based): chr6:152,458,878, G>A on the plus strand (C>T on the coding strand, the complement: SYNE1 is on the minus strand). VCF-style: chr6-152458878-G-A. GRCh37 (hg19) VCF-style: chr6-152780013-G-A.
Other names: c.2468C>T, p.Pro823Leu (NM_033071.5); short protein forms P816L, P823L.
Identifiers: ClinVar variation 2923673 (VCV002923673.3), dbSNP rs768153188, ClinGen allele CA4059134.

ClinVar aggregate classification (germline): Uncertain significance (1 of 4 stars; one submission).

Conditions:
Emery-Dreifuss muscular dystrophy 4, autosomal dominant (EDMD4). Also called: EMERY-DREIFUSS MUSCULAR DYSTROPHY 4 WITH VARIABLE FEATURES. Identifiers: Orphanet 261, MedGen C2751807, MONDO:0013071, OMIM 612998.
Autosomal recessive ataxia, Beauce type. Also called: SYNE1-Related Autosomal Recessive Cerebellar Ataxia; SYNE1 Deficiency; Spinocerebellar ataxia, autosomal recessive 8; ATAXIA, RECESSIVE, OF BEAUCE. Identifiers: Orphanet 88644, MedGen C1853116, MONDO:0012549, OMIM 610743.

Allele frequency attached by ClinVar (database versions not stated): ExAC 0.00001; gnomAD 0.00001.
gnomAD v4.1: 14 of 1,613,756 alleles (0.00087%); highest among the groups gnomAD compares: East Asian, 0.0045%; no homozygotes.

Submission:

Labcorp Genetics (formerly Invitae), Labcorp
Classification: Uncertain significance for Emery-Dreifuss muscular dystrophy 4, autosomal dominant; Autosomal recessive ataxia, Beauce type. Last evaluated: 2024-01-15. Review status: criteria provided, single submitter. Criteria: Invitae Variant Classification Sherloc (09022015). Collection method: clinical testing. Allele origin: germline.
Comment: This sequence change replaces proline, which is neutral and non-polar, with leucine, which is neutral and non-polar, at codon 823 of the SYNE1 protein (p.Pro823Leu). This variant is present in population databases (rs768153188, gnomAD 0.006%). This variant has not been reported in the literature in individuals affected with SYNE1-related conditions. Algorithms developed to predict the effect of missense changes on protein structure and function output the following: SIFT: "Not Available"; PolyPhen-2: "Benign"; Align-GVGD: "Not Available". The leucine amino acid residue is found in multiple mammalian species, which suggests that this missense change does not adversely affect protein function. In summary, the available evidence is currently insufficient to determine the role of this variant in disease. Therefore, it has been classified as a Variant of Uncertain Significance.